The following is an entry in ClinVar:

NM_004482.4(GALNT3):c.896C>T (p.Thr299Met)

Gene: GALNT3 (polypeptide N-acetylgalactosaminyltransferase 3; minus strand). Cytogenetic location: 2q24.3.
Variant type: single nucleotide variant.
Coding change: c.896C>T on transcript NM_004482.4 (MANE Select); coding-DNA position 896, C replaced by T.
Protein change: p.Thr299Met; replaces threonine 299 with methionine.
Molecular consequence: missense variant.
Genome position (GRCh38, 1-based): chr2:165,759,513, G>A on the plus strand (C>T on the coding strand, the complement: GALNT3 is on the minus strand). VCF-style: chr2-165759513-G-A. GRCh37 (hg19) VCF-style: chr2-166616023-G-A.
Other names: c.896C>T (NM_004482.3); short protein forms T299M.
Identifiers: ClinVar variation 2144451 (VCV002144451.3), dbSNP rs150889917, ClinGen allele CA1941062.

ClinVar aggregate classification (germline): Uncertain significance. Review status: criteria provided, multiple submitters, no conflicts (2 of 4 stars). 3 submissions from 3 submitters: Uncertain significance (3). Last evaluated 2024-06-17.

Conditions:
Inborn genetic diseases. Identifiers: MedGen C0950123, MeSH D030342.
Tumoral calcinosis, hyperphosphatemic, familial, 1. Also called: CALCINOSIS, TUMORAL, WITH HYPERPHOSPHATEMIA; LIPOCALCINOGRANULOMATOSIS; MORBUS TEUTSCHLAENDER; TEUTSCHLAENDER DISEASE, FAMILIAL; TUMORAL CALCINOSIS, PRIMARY HYPERPHOSPHATEMIC; CORTICAL HYPEROSTOSIS WITH HYPERPHOSPHATEMIA. Identifiers: Orphanet 53715, MedGen C4692564, MONDO:0100252, OMIM 211900.

Allele frequency attached by ClinVar (database versions not stated): TOPMed 0.00002; ExAC 0.00004; gnomAD 0.00006; ESP Exome Variant Server 0.00008.
gnomAD v4.1: 70 of 1,613,852 alleles (0.0043%); highest among the groups gnomAD compares: African/African-American, 0.015%; no homozygotes.

Submissions (3):

Fulgent Genetics
Classification: Uncertain significance for Tumoral calcinosis, hyperphosphatemic, familial, 1. Last evaluated: 2024-06-17. Review status: criteria provided, single submitter. Criteria: ACMG Guidelines, 2015. Collection method: clinical testing. Allele origin: germline.

Ambry Genetics
Classification: Uncertain significance for Inborn genetic diseases. Last evaluated: 2022-12-13. Review status: criteria provided, single submitter. Criteria: Ambry Variant Classification Scheme 2023. Collection method: clinical testing. Allele origin: germline.

Labcorp Genetics (formerly Invitae), Labcorp
Classification: Uncertain significance. Last evaluated: 2022-02-28. Review status: criteria provided, single submitter. Criteria: Invitae Variant Classification Sherloc (09022015). Collection method: clinical testing. Allele origin: germline.
Comment: This sequence change replaces threonine, which is neutral and polar, with methionine, which is neutral and non-polar, at codon 299 of the GALNT3 protein (p.Thr299Met). This variant is present in population databases (rs150889917, gnomAD 0.02%). This variant has not been reported in the literature in individuals affected with GALNT3-related conditions. Algorithms developed to predict the effect of missense changes on protein structure and function are either unavailable or do not agree on the potential impact of this missense change (SIFT: "Deleterious"; PolyPhen-2: "Probably Damaging"; Align-GVGD: "Class C0"). In summary, the available evidence is currently insufficient to determine the role of this variant in disease. Therefore, it has been classified as a Variant of Uncertain Significance.